The following is an entry in ClinVar:

ClinVar aggregate classification (germline): Uncertain significance. Review status: criteria provided, single submitter (1 of 4 stars). 2 submissions from 2 submitters: Uncertain significance (1). 1 of the submissions does not count toward it. Last evaluated 2021-08-30.

Conditions:
Autosomal recessive polycystic kidney disease (ARPKD). Also called: AR polycystic kidney disease. Identifiers: Orphanet 731, Orphanet 8378, MedGen C0085548, MeSH D017044, MONDO:0009889.

Allele frequency attached by ClinVar (database versions not stated): ExAC 0.00001; gnomAD 0.00001; gnomAD exomes 0.00001 and 0.00002; TOPMed 0.00002.
gnomAD v4.1: 9 of 1,613,866 alleles (0.00056%); highest among the groups gnomAD compares: East Asian, 0.0022%; no homozygotes.

Submissions (2):

Labcorp Genetics (formerly Invitae), Labcorp
Classification: Uncertain significance for Autosomal recessive polycystic kidney disease. Last evaluated: 2021-08-30. Review status: criteria provided, single submitter. Criteria: Invitae Variant Classification Sherloc (09022015). Collection method: clinical testing. Allele origin: germline.
Comment: This sequence change replaces alanine with aspartic acid at codon 1510 of the PKHD1 protein (p.Ala1510Asp). The alanine residue is weakly conserved and there is a moderate physicochemical difference between alanine and aspartic acid. This variant is present in population databases (rs758834151, ExAC 0.002%). This variant has not been reported in the literature in individuals affected with PKHD1-related conditions. Algorithms developed to predict the effect of missense changes on protein structure and function output the following: SIFT: "Deleterious"; PolyPhen-2: "Benign"; Align-GVGD: "Class C0". The aspartic acid amino acid residue is found in multiple mammalian species, which suggests that this missense change does not adversely affect protein function. In summary, the available evidence is currently insufficient to determine the role of this variant in disease. Therefore, it has been classified as a Variant of Uncertain Significance.

Natera, Inc.
Classification: Uncertain significance for Autosomal recessive polycystic kidney disease. Last evaluated: 2018-05-10. Review status: no assertion criteria provided. Collection method: clinical testing. Allele origin: germline. Not counted in ClinVar's aggregate classification.

NM_138694.4(PKHD1):c.4529C>A (p.Ala1510Asp)

Gene: PKHD1 (PKHD1 ciliary IPT domain containing fibrocystin/polyductin; minus strand). Cytogenetic location: 6p12.2.
Variant type: single nucleotide variant.
Coding change: c.4529C>A on transcript NM_138694.4 (MANE Select); coding-DNA position 4529, C replaced by A.
Protein change: p.Ala1510Asp; replaces alanine 1510 with aspartic acid.
Molecular consequence: missense variant.
Genome position (GRCh38, 1-based): chr6:52,025,281, G>T on the plus strand (C>A on the coding strand, the complement: PKHD1 is on the minus strand). VCF-style: chr6-52025281-G-T. GRCh37 (hg19) VCF-style: chr6-51890079-G-T.
Other names: c.4529C>A, p.Ala1510Asp (NM_170724.3); short protein forms A1510D.
Identifiers: ClinVar variation 838325 (VCV000838325.7), dbSNP rs758834151, ClinGen allele CA3852705.
Genomic context (GRCh38, chr6:52,025,281, plus strand): 5'-AAAGTTACATTGCAAGGAAGTTGATCATCCACAAATACCATCGGCTCATCAGCTGTGGTG[G>T]CTAACCTCTGACCCCTAATCAGCACAGTGGTCAGAGACCCACTGGTGTTTGTGGACAAGG-3'
Protein context (NP_619639.3, residues 1500-1520): TTVLIRGQRL[Ala1510Asp]TTADEPMVFV